The following is an entry in ClinVar:

ClinVar aggregate classification (germline): Uncertain significance (1 of 4 stars; one submission).

Conditions:
Hereditary cancer-predisposing syndrome. Also called: Hereditary neoplastic syndrome; Neoplastic Syndromes, Hereditary; Tumor predisposition; Hereditary Cancer Syndrome. Identifiers: Orphanet 140162, MedGen C0027672, MeSH D009386, MONDO:0015356.

Submission:

Ambry Genetics
Classification: Uncertain significance for Hereditary cancer-predisposing syndrome. Last evaluated: 2025-07-10. Review status: criteria provided, single submitter. Criteria: Ambry Variant Classification Scheme 2023. Collection method: clinical testing. Allele origin: germline.
Comment: The p.K329I variant (also known as c.986A>T), located in coding exon 10 of the RB1 gene, results from an A to T substitution at nucleotide position 986. The lysine at codon 329 is replaced by isoleucine, an amino acid with dissimilar properties. This amino acid position is conserved. In addition, the in silico prediction for this alteration is inconclusive. Based on the available evidence, the clinical significance of this variant remains unclear.

NM_000321.3(RB1):c.986A>T (p.Lys329Ile)

Gene: RB1 (RB transcriptional corepressor 1; plus strand). Cytogenetic location: 13q14.2.
Variant type: single nucleotide variant.
Coding change: c.986A>T on transcript NM_000321.3 (MANE Select); coding-DNA position 986, A replaced by T.
Protein change: p.Lys329Ile; replaces lysine 329 with isoleucine.
Molecular consequence: missense variant.
Genome position (GRCh38, 1-based): chr13:48,367,540, A>T. VCF-style: chr13-48367540-A-T. GRCh37 (hg19) VCF-style: chr13-48941676-A-T.
Other names: c.986A>T, p.Lys329Ile (NM_001407165.1, NM_001407166.1); short protein forms K329I.
Identifiers: ClinVar variation 4151191 (VCV004151191.1).